The following is an entry in ClinVar:

NM_176806.4(MOCS2):c.33T>G (p.Tyr11Ter)

Gene: MOCS2 (molybdenum cofactor synthesis 2; minus strand). Cytogenetic location: 5q11.2.
Variant type: single nucleotide variant.
Coding change: c.33T>G on transcript NM_176806.4 (MANE Plus Clinical); coding-DNA position 33, T replaced by G.
Protein change: p.Tyr11Ter; replaces tyrosine 11 with a stop codon.
Molecular consequence: nonsense. On other transcripts: 5 prime UTR variant (1).
Genome position (GRCh38, 1-based): chr5:53,108,629, A>C on the plus strand (T>G on the coding strand, the complement: MOCS2 is on the minus strand). VCF-style: chr5-53108629-A-C. GRCh37 (hg19) VCF-style: chr5-52404459-A-C.
Other names: c.-155T>G (NM_004531.5); short protein forms Y11*.
Identifiers: ClinVar variation 1236175 (VCV001236175.7), dbSNP rs748049681, ClinGen allele CA3263818.
Genomic context (GRCh38, chr5:53,108,629, plus strand): 5'-TTCTTGAGGCACAGAAATGGTCTCTGAACGAACTCCTGTTATTTCAGCACTTTTTGCAAA[A>C]TACAATACTTCAACCTGAAAGTAAAGAAAATGCTTTTAATAACAACTCATACTCGTTTTC-3'

ClinVar aggregate classification (germline): Pathogenic. Review status: criteria provided, multiple submitters, no conflicts (2 of 4 stars). 5 submissions from 5 submitters: Pathogenic (5). Last evaluated 2024-07-26.

Conditions:
Combined molybdoflavoprotein enzyme deficiency (MOCOD). Also called: Molybdenum cofactor deficiency; Combined deficiency of sulfite oxidase, xanthine dehydrogenase, and aldehyde oxidase; Sulfite oxidase deficiency due to molybdenum cofactor deficiency. Identifiers: Orphanet 833, Orphanet 99732, MedGen C0268119, MONDO:0020480, HP:0003570.
Sulfite oxidase deficiency due to molybdenum cofactor deficiency type B1 (MOCODB1). Also called: Sulfite oxidase deficiency due to molybdenum cofactor deficiency type B; Molybdenum cofactor deficiency, complementation group B; Molybdenum cofactor deficiency B; MOLYBDENUM COFACTOR DEFICIENCY, TYPE B1. Identifiers: Orphanet 308393, Orphanet 833, MedGen C6065887, MONDO:0009644, OMIM 252160.

Allele frequency attached by ClinVar (database versions not stated): gnomAD 0.00001; TOPMed 0.00001; ExAC 0.00002; gnomAD exomes 0.00003.
gnomAD v4.1: 20 of 1,613,328 alleles (0.0012%); highest among the groups gnomAD compares: South Asian, 0.022%; no homozygotes.

Submissions (5):

Labcorp Genetics (formerly Invitae), Labcorp
Classification: Pathogenic. Last evaluated: 2024-07-26. Review status: criteria provided, single submitter. Criteria: Invitae Variant Classification Sherloc (09022015). Collection method: clinical testing. Allele origin: germline.
Comment: This sequence change creates a premature translational stop signal (p.Tyr11*) in the MOCS2A gene. While this is not anticipated to result in nonsense mediated decay, it is expected to disrupt the last 78 amino acid(s) of the MOCS2A protein. This variant is present in population databases (rs748049681, gnomAD 0.02%). This premature translational stop signal has been observed in individual(s) with clinical features of molybdenum cofactor deficiency (PMID: 16021469). ClinVar contains an entry for this variant (Variation ID: 1236175). For these reasons, this variant has been classified as Pathogenic.

Women's Health and Genetics/Laboratory Corporation of America, LabCorp
Classification: Pathogenic for Combined molybdoflavoprotein enzyme deficiency. Last evaluated: 2024-05-20. Review status: criteria provided, single submitter. Criteria: LabCorp Variant Classification Summary - May 2015. Collection method: clinical testing. Allele origin: germline.
Comment: Variant summary: MOCS2 c.-155T>G (on NM_004531.5) is located in the untranslated mRNA region upstream of the initiation codon. However, on another clinically relevant transcript NM_176806 (MANE plus NMID), this variant (c.33T>G; p.Tyr11*) results in a premature termination codon, predicted to cause a truncation of the encoded protein or absence of the protein due to nonsense mediated decay which are commonly known mechanisms for disease. The variant allele was found at a frequency of 2.8e-05 in 248664 control chromosomes (gnomAD). c.33T>G (on NM_176806) has been reported in the literature in at least an individual affected with molybdenum cofactor deficiency (Leimkhler_2005). These data indicate that the variant is likely associated with disease. The following publications have been ascertained in the context of this evaluation (PMID: 31201073, 16021469, 35692435). ClinVar contains an entry for this variant (Variation ID: 1236175). Based on the evidence outlined above, the variant was classified as pathogenic.

Neuberg Centre For Genomic Medicine, NCGM
Classification: Pathogenic for Sulfite oxidase deficiency due to molybdenum cofactor deficiency type B1. Last evaluated: 2024-02-01. Review status: criteria provided, single submitter. Criteria: ACMG Guidelines, 2015. Collection method: clinical testing. Allele origin: germline. Inheritance: Autosomal recessive inheritance.
Comment: This variant c.33T>G is c.-155T>G in canonical transcript NM_004531.5

Greenwood Genetic Center Diagnostic Laboratories, Greenwood Genetic Center
Classification: Pathogenic for Sulfite oxidase deficiency due to molybdenum cofactor deficiency type B1. Last evaluated: 2023-08-05. Review status: criteria provided, single submitter. Criteria: ACMG Guidelines, 2015. Collection method: clinical testing. Allele origin: germline. Affected: yes.
Comment: PVS1, PM2, PM3_Supporting

Suma Genomics
Classification: Pathogenic for Sulfite oxidase deficiency due to molybdenum cofactor deficiency type B1. Review status: criteria provided, single submitter. Criteria: ACMG Guidelines, 2015. Collection method: clinical testing. Allele origin: inherited. Inheritance: Autosomal recessive inheritance. Affected: yes.

Literature cited by the submitters: PubMed 16021469 (cited by Labcorp Genetics (formerly Invitae), Labcorp and Women's Health and Genetics/Laboratory Corporation of America, LabCorp); PubMed 31201073 (cited by Women's Health and Genetics/Laboratory Corporation of America, LabCorp); PubMed 35692435 (cited by Women's Health and Genetics/Laboratory Corporation of America, LabCorp).